The following is an entry in ClinVar:

ClinVar aggregate classification (germline): Conflicting classifications of pathogenicity. Review status: criteria provided, conflicting classifications (1 of 4 stars). 2 submissions from 2 submitters: Pathogenic (1); Uncertain significance (1). Last evaluated 2024-08-01.

Submissions (2):

CeGaT Center for Human Genetics Tuebingen
Classification: Pathogenic. Last evaluated: 2024-08-01. Review status: criteria provided, single submitter. Criteria: CeGaT Center For Human Genetics Tuebingen Variant Classification Criteria Version 2. Collection method: clinical testing. Allele origin: germline. Affected: yes. Observed: 1 variant allele.
Comment: FBN1: PM1:Strong, PP1:Strong, PM2, PM5:Supporting, PP3, PS4:Supporting

Laboratory for Molecular Medicine, Mass General Brigham Personalized Medicine
Classification: Uncertain significance. Last evaluated: 2009-04-09. Review status: criteria provided, single submitter. Criteria: LMM Criteria. Collection method: clinical testing. Allele origin: germline. Observed: 1 variant allele.

NM_000138.5(FBN1):c.6992G>A (p.Cys2331Tyr)

Gene: FBN1 (fibrillin 1; minus strand). Cytogenetic location: 15q21.1.
Variant type: single nucleotide variant.
Coding change: c.6992G>A on transcript NM_000138.5 (MANE Select); coding-DNA position 6992, G replaced by A.
Protein change: p.Cys2331Tyr; replaces cysteine 2331 with tyrosine.
Molecular consequence: missense variant.
Genome position (GRCh38, 1-based): chr15:48,428,351, C>T on the plus strand (G>A on the coding strand, the complement: FBN1 is on the minus strand). VCF-style: chr15-48428351-C-T. GRCh37 (hg19) VCF-style: chr15-48720548-C-T.
Other names: short protein forms C2331Y.
Identifiers: ClinVar variation 42416 (VCV000042416.20), dbSNP rs397515842, ClinGen allele CA016888.
Genomic context (GRCh38, chr15:48,428,351, plus strand): 5'-CAGCATCCCAGTGTGGAGGCTGAGGTTAGGAAAGTGCGGTGCCAACTGTACTCACCAAGG[C>T]ACTCGTCCTGGTTGGGGCTGGCGGTAAACCCATCATTACACTCACAGGTGTAGCTCCCAC-3'
Protein context (NP_000129.3, residues 2321-2341): GFTASPNQDE[Cys2331Tyr]LDNREGYCFT